The following is an entry in ClinVar:

NC_000023.10:g.(?_31222068)_(31341785_?)dup

Gene: DMD (dystrophin; minus strand). Cytogenetic location: Xp21.2.
Variant type: Duplication.
Identifiers: ClinVar variation 2424990 (VCV002424990.5).

ClinVar aggregate classification (germline): Likely pathogenic (1 of 4 stars; one submission).

Conditions:
Duchenne muscular dystrophy (DMD). Also called: Duchenne Muscular Dystrophy (DMD); MUSCULAR DYSTROPHY, PSEUDOHYPERTROPHIC PROGRESSIVE, DUCHENNE TYPE. Identifiers: Orphanet 98896, MedGen C0013264, MONDO:0010679, OMIM 310200.

Submission:

Labcorp Genetics (formerly Invitae), Labcorp
Classification: Likely pathogenic for Duchenne muscular dystrophy. Last evaluated: 2022-09-23. Review status: criteria provided, single submitter. Criteria: Invitae Variant Classification Sherloc (09022015). Collection method: clinical testing. Allele origin: germline.
Comment: In summary, the currently available evidence indicates that the variant is pathogenic, but additional data are needed to prove that conclusively. Therefore, this variant has been classified as Likely Pathogenic. Experimental studies and prediction algorithms are not available or were not evaluated, and the functional significance of this variant is currently unknown. This variant has not been reported in the literature in individuals affected with DMD-related conditions. This variant results in a copy number gain of the genomic region encompassing exon(s) 62-67 of the DMD gene. While the exact position of this variant cannot be determined from the data, sub-genic copy number gains are generally in tandem (PMID: 25640679). This variant is predicted to be out-of-frame, and may result in an absent or disrupted protein product. Loss-of-function variants in DMD are known to be pathogenic (PMID: 16770791, 25007885).

Literature cited by the submitters: PubMed 25640679; PubMed 16770791; PubMed 25007885.